The following is an entry in ClinVar:

ClinVar aggregate classification (germline): Benign/Likely benign. Review status: criteria provided, multiple submitters, no conflicts (2 of 4 stars). 9 submissions from 9 submitters: Benign (7); Likely benign (2). Last evaluated 2026-02-04.

Conditions:
Primary ciliary dyskinesia. Also called: Ciliary dyskinesia. Identifiers: Orphanet 244, MedGen C0008780, MONDO:0016575, HP:0012265.

Allele frequency attached by ClinVar (database versions not stated): ESP Exome Variant Server 0.02496; gnomAD exomes 0.03471 and 0.03685; gnomAD 0.05626 and 0.06221; ExAC 0.06608; TOPMed 0.07706; 1000 Genomes Project 30x 0.12664; 1000 Genomes Project 0.12839.
gnomAD v4.1: 50,751 of 1,250,556 alleles (4.1%); highest among the groups gnomAD compares: East Asian, 24%; 2,663 homozygotes.

Submissions (9):

Labcorp Genetics (formerly Invitae), Labcorp
Classification: Benign for Primary ciliary dyskinesia. Last evaluated: 2026-02-04. Review status: criteria provided, single submitter. Criteria: Invitae Variant Classification Sherloc (09022015). Collection method: clinical testing. Allele origin: germline.

Blueprint Genetics
Classification: Likely benign. Last evaluated: 2024-11-28. Review status: criteria provided, single submitter. Criteria: ACMG Guidelines, 2015. Collection method: clinical testing. Allele origin: germline.

Mayo Clinic Laboratories, Mayo Clinic
Classification: Benign. Last evaluated: 2022-04-26. Review status: criteria provided, single submitter. Criteria: ACMG Guidelines, 2015. Collection method: clinical testing. Allele origin: germline. Observed: 25 variant alleles.

GeneDx
Classification: Benign. Last evaluated: 2019-08-21. Review status: criteria provided, single submitter. Criteria: GeneDx Variant Classification Process June 2021. Collection method: clinical testing. Allele origin: germline. Affected: yes.

Ambry Genetics
Classification: Benign for Primary ciliary dyskinesia. Last evaluated: 2016-07-15. Review status: criteria provided, single submitter. Criteria: Ambry Variant Classification Scheme 2023. Collection method: clinical testing. Allele origin: germline.

Laboratory for Molecular Medicine, Mass General Brigham Personalized Medicine
Classification: Benign. Last evaluated: 2016-03-28. Review status: criteria provided, single submitter. Criteria: LMM Criteria. Collection method: clinical testing. Allele origin: germline.
Comment: Variant identified in a genome or exome case(s) and assessed due to predicted null impact of the variant or pathogenic assertions in the literature or databases. Disclaimer: This variant has not undergone full assessment. The following are preliminary notes: Frequency

Eurofins Ntd Llc (ga)
Classification: Benign. Last evaluated: 2016-01-20. Review status: criteria provided, single submitter. Criteria: EGL Classification Definitions 2015. Collection method: clinical testing. Allele origin: germline. Observed: 2 variant alleles, 1 heterozygote, 1 homozygote.

Breakthrough Genomics
Classification: Likely benign. Review status: criteria provided, single submitter. Criteria: ACMG Guidelines, 2015. Collection method: not provided. Allele origin: germline. Inheritance: Autosomal recessive inheritance. Affected: yes.

PreventionGenetics, part of Exact Sciences
Classification: Benign. Review status: criteria provided, single submitter. Criteria: ACMG Guidelines, 2015. Collection method: clinical testing. Allele origin: germline.

NM_001256715.2(DNAAF3):c.327A>G (p.Arg109=)

Genes: DNAAF3-AS1 (DNAAF3 antisense RNA 1; plus strand), DNAAF3 (dynein axonemal assembly factor 3; minus strand). Cytogenetic location: 19q13.42.
Variant type: single nucleotide variant.
Coding change: c.327A>G on transcript NM_001256715.2 (MANE Select); coding-DNA position 327, A replaced by G.
Protein change: p.Arg109=; no amino-acid change (arginine 109 retained).
Molecular consequence: synonymous variant.
Genome position (GRCh38, 1-based): chr19:55,162,286, T>C on the plus strand (A>G on the coding strand, the complement: DNAAF3 is on the minus strand). VCF-style: chr19-55162286-T-C. GRCh37 (hg19) VCF-style: chr19-55673654-T-C.
Other names: p.Arg177=; c.165A>G, p.Arg55= (NM_001256716.2); c.468A>G, p.Arg156= (NM_178837.4); c.531A>G, p.Arg177= (NM_001256714.1).
Identifiers: ClinVar variation 257688 (VCV000257688.29), dbSNP rs3848618, ClinGen allele CA9668160.
Genomic context (GRCh38, chr19:55,162,286, plus strand): 5'-GAAGGCGGCCACTGGCGGGCGCAGCAGCGCGTTCCCCCACACTTCCAGGAAGGTCTCGCT[T>C]CGCTCTACGGAGAGAGGGAGATAATTGCGGGAATGTGTGGAGGAGGGAGCCCAGAAATTA-3'
Protein context (NP_001243644.1, residues 99-119): EEPEKMGLQE[Arg109=]SETFLEVWGN